The following is an entry in ClinVar:

ClinVar aggregate classification (germline): Uncertain significance. Review status: criteria provided, multiple submitters, no conflicts (2 of 4 stars). 3 submissions from 3 submitters: Uncertain significance (3). Last evaluated 2025-06-05.

Conditions:
Inborn genetic diseases. Identifiers: MedGen C0950123, MeSH D030342.
NBEA-related disorder. Also called: NBEA-related condition.

Allele frequency attached by ClinVar (database versions not stated): TOPMed below 0.00001; gnomAD 0.00001.
gnomAD v4.1: 12 of 1,384,106 alleles (0.00087%); highest among the groups gnomAD compares: African/African-American, 0.0015%; no homozygotes.

Submissions (3):

GeneDx
Classification: Uncertain significance. Last evaluated: 2025-06-05. Review status: criteria provided, single submitter. Criteria: GeneDx Variant Classification Process June 2021. Collection method: clinical testing. Allele origin: germline. Affected: yes.
Comment: Not observed at significant frequency in large population cohorts (gnomAD); In silico analysis suggests that this missense variant does not alter protein structure/function; Has not been previously published as pathogenic or benign to our knowledge

Ambry Genetics
Classification: Uncertain significance for Inborn genetic diseases. Last evaluated: 2025-04-25. Review status: criteria provided, single submitter. Criteria: Ambry Variant Classification Scheme 2023. Collection method: clinical testing. Allele origin: germline.

PreventionGenetics, part of Exact Sciences
Classification: Uncertain significance for NBEA-related condition. Last evaluated: 2022-11-10. Review status: criteria provided, single submitter. Criteria: ACMG Guidelines, 2015. Collection method: clinical testing. Allele origin: germline.
Comment: The NBEA c.2034A>G variant is predicted to result in the amino acid substitution p.Ile678Met. To our knowledge, this variant has not been reported in the literature or in a large population database, indicating this variant is rare. At this time, the clinical significance of this variant is uncertain due to the absence of conclusive functional and genetic evidence.

NM_001385012.1(NBEA):c.2034A>G (p.Ile678Met)

Gene: NBEA (neurobeachin; plus strand). Cytogenetic location: 13q13.3.
Variant type: single nucleotide variant.
Coding change: c.2034A>G on transcript NM_001385012.1 (MANE Select); coding-DNA position 2034, A replaced by G.
Protein change: p.Ile678Met; replaces isoleucine 678 with methionine.
Molecular consequence: missense variant.
Genome position (GRCh38, 1-based): chr13:35,117,445, A>G. VCF-style: chr13-35117445-A-G. GRCh37 (hg19) VCF-style: chr13-35691582-A-G.
Other names: c.2034A>G, p.Ile678Met (NM_001379245.1, NM_015678.5); short protein forms I678M.
Identifiers: ClinVar variation 1180268 (VCV001180268.7), dbSNP rs1315656409, ClinGen allele CA387831797.